The following is an entry in ClinVar:

GRCh38/hg38 17q21.31(chr17:46176989-46742963)x1

Genes: ARL17A (ADP ribosylation factor like GTPase 17A; minus strand), ARL17B (ADP ribosylation factor like GTPase 17B; minus strand), FAM215B (family with sequence similarity 215 member B; minus strand), LRRC37A (leucine rich repeat containing 37A), KANSL1 (KAT8 regulatory NSL complex subunit 1) and 6 more. Cytogenetic location: 17q21.31.
Variant type: copy number loss.
Change: copy number 1 (one copy instead of two) of chr17:46,176,989-46,742,963 (566.0 kb, GRCh38 coordinates, 1-based), cytogenetic band 17q21.31.
Identifiers: ClinVar variation 57297 (VCV000057297.2).

ClinVar aggregate classification (germline): Benign (1 of 4 stars; one submission).

Submission:

ISCA site 4
Classification: Benign. Last evaluated: 2017-09-01. Review status: criteria provided, single submitter. Criteria: Kaminsky et al. (Genet Med. 2011). Collection method: clinical testing. Allele origin: unknown. Affected: yes. Observed: 1 variant allele.
Comment: Copy number variation identified through the course of routine clinical cytogenomic testing in postnatal populations. Clinical assertions have been curated as described in Kaminsky et al. 2011.